The following is an entry in ClinVar:

NM_001943.5(DSG2):c.2215A>T (p.Ile739Phe)

Genes: DSG2 (desmoglein 2; plus strand), DSG2-AS1 (DSG2 antisense RNA 1; minus strand). Cytogenetic location: 18q12.1.
Variant type: single nucleotide variant.
Coding change: c.2215A>T on transcript NM_001943.5 (MANE Select); coding-DNA position 2215, A replaced by T.
Protein change: p.Ile739Phe; replaces isoleucine 739 with phenylalanine.
Molecular consequence: missense variant.
Genome position (GRCh38, 1-based): chr18:31,542,733, A>T. VCF-style: chr18-31542733-A-T. GRCh37 (hg19) VCF-style: chr18-29122696-A-T.
Other names: short protein forms I739F.
Identifiers: ClinVar variation 840174 (VCV000840174.11), dbSNP rs772240008, ClinGen allele CA045240.
Genomic context (GRCh38, chr18:31,542,733, plus strand): 5'-GAAGAACACAGAAGCCTGCTTTCTGGTAGAGCTACCCAGTTTACAGGGGCCACAGGCGCT[A>T]TCATGACCACTGAAACCACGAAGACCGCAAGGGCCACAGGGGCTTCCAGAGACATGGCCG-3'
Protein context (NP_001934.2, residues 729-749): ATQFTGATGA[Ile739Phe]MTTETTKTAR

ClinVar aggregate classification (germline): Conflicting classifications of pathogenicity. Review status: criteria provided, conflicting classifications (1 of 4 stars). 5 submissions from 5 submitters: Uncertain significance (4); Likely benign (1). Last evaluated 2025-01-06.

Conditions:
Arrhythmogenic right ventricular dysplasia 10. Also called: Arrhythmogenic Right Ventricular Dysplasia/Cardiomyopathy10; Arrhythmogenic right ventricular dysplasia/cardiomyopathy, type 10; ARRHYTHMOGENIC RIGHT VENTRICULAR DYSPLASIA, FAMILIAL, 10. Identifiers: MedGen C1857777, MONDO:0012434, OMIM 610193.
Arrhythmogenic right ventricular cardiomyopathy (ARVD). Also called: Arrhythmogenic Right Ventricular Cardiomyopathy (ARVC); Cardiomyopathy, ARVC; Arrhythmogenic cardiomyopathy; Arrhythmogenic right ventricular dysplasia. Identifiers: Orphanet 247, MedGen C0349788, MeSH D019571, MONDO:0016587. Disease mechanism: loss of function. Inheritance: Various modes of inheritance.
Cardiomyopathy (CMYO). Also called: Cardiomyopathies. Identifiers: Orphanet 167848, MedGen C0878544, MONDO:0004994, HP:0001638. Inheritance: Various modes of inheritance.

gnomAD v4.1: 10 of 1,614,186 alleles (0.00062%); highest among the groups gnomAD compares: Non-Finnish European, 0.00076%; no homozygotes.

Submissions (5):

Color Diagnostics, LLC DBA Color Health
Classification: Likely benign for Cardiomyopathy. Last evaluated: 2025-01-06. Review status: criteria provided, single submitter. Criteria: ACMG Guidelines, 2015. Collection method: clinical testing. Allele origin: germline.

All of Us Research Program, National Institutes of Health
Classification: Uncertain significance for Arrhythmogenic right ventricular cardiomyopathy. Last evaluated: 2023-12-18. Review status: criteria provided, single submitter. Criteria: ACMG Guidelines, 2015. Collection method: clinical testing. Allele origin: germline. Inheritance: Autosomal dominant inheritance. Observed: 1 variant allele, 1 heterozygote.
Comment: This missense variant replaces isoleucine with phenylalanine at codon 739 of the DSG2 protein. Computational prediction suggests that this variant may not impact protein structure and function (internally defined REVEL score threshold <= 0.5, PMID: 27666373). To our knowledge, functional studies have not been reported for this variant. This variant has been reported in an individual affected with hypertrophic cardiomyopathy (PMID: 25351510). This variant has been identified in 2/249390 chromosomes in the general population by the Genome Aggregation Database (gnomAD). The available evidence is insufficient to determine the role of this variant in disease conclusively. Therefore, this variant is classified as a Variant of Uncertain Significance.

This study involves interpretation of variants in research participants for the purpose of population health screening. Participant phenotype was not available at the time of variant classification. Additional details can be found in publication PMID: 35346344, PMCID: PMC8962531

Labcorp Genetics (formerly Invitae), Labcorp
Classification: Uncertain significance for Arrhythmogenic right ventricular dysplasia 10. Last evaluated: 2023-11-19. Review status: criteria provided, single submitter. Criteria: Invitae Variant Classification Sherloc (09022015). Collection method: clinical testing. Allele origin: germline.
Comment: This sequence change replaces isoleucine, which is neutral and non-polar, with phenylalanine, which is neutral and non-polar, at codon 739 of the DSG2 protein (p.Ile739Phe). This variant is present in population databases (rs772240008, gnomAD 0.002%). This variant has not been reported in the literature in individuals affected with DSG2-related conditions. ClinVar contains an entry for this variant (Variation ID: 840174). Advanced modeling of protein sequence and biophysical properties (such as structural, functional, and spatial information, amino acid conservation, physicochemical variation, residue mobility, and thermodynamic stability) performed at Invitae indicates that this missense variant is not expected to disrupt DSG2 protein function with a negative predictive value of 95%. In summary, the available evidence is currently insufficient to determine the role of this variant in disease. Therefore, it has been classified as a Variant of Uncertain Significance.

Blueprint Genetics
Classification: Uncertain significance. Last evaluated: 2023-05-05. Review status: criteria provided, single submitter. Criteria: ACMG Guidelines, 2015. Collection method: clinical testing. Allele origin: germline.

GeneDx
Classification: Uncertain significance. Last evaluated: 2019-12-06. Review status: criteria provided, single submitter. Criteria: GeneDx Variant Classification Process June 2021. Collection method: clinical testing. Allele origin: germline. Affected: yes.
Comment: Not observed at a significant frequency in large population cohorts (Lek et al., 2016); In silico analysis, which includes protein predictors and evolutionary conservation, supports that this variant does not alter protein structure/function; Identified in an individual with HCM in published literature (Lopes et al., 2015); however, no segregation or functional studies were reported; This variant is associated with the following publications: (PMID: 25351510)

Literature cited by the submitters: PubMed 25351510 (cited by All of Us Research Program, National Institutes of Health).